The following is an entry in ClinVar:

NM_001364171.2(ODAD1):c.1466C>T (p.Pro489Leu)

Gene: ODAD1 (outer dynein arm docking complex subunit 1; minus strand). Cytogenetic location: 19q13.33.
Variant type: single nucleotide variant.
Coding change: c.1466C>T on transcript NM_001364171.2 (MANE Select); coding-DNA position 1466, C replaced by T.
Protein change: p.Pro489Leu; replaces proline 489 with leucine.
Molecular consequence: missense variant.
Genome position (GRCh38, 1-based): chr19:48,298,036, G>A on the plus strand (C>T on the coding strand, the complement: ODAD1 is on the minus strand). VCF-style: chr19-48298036-G-A. GRCh37 (hg19) VCF-style: chr19-48801293-G-A.
Other names: c.1355C>T, p.Pro452Leu (NM_144577.4); short protein forms P452L, P489L.
Identifiers: ClinVar variation 1800348 (VCV001800348.3), dbSNP rs768434176, ClinGen allele CA9548687.

ClinVar aggregate classification (germline): Uncertain significance. Review status: criteria provided, multiple submitters, no conflicts (2 of 4 stars). 2 submissions from 2 submitters: Uncertain significance (2). Last evaluated 2025-11-10.

Conditions:
Primary ciliary dyskinesia. Also called: Ciliary dyskinesia. Identifiers: Orphanet 244, MedGen C0008780, MONDO:0016575, HP:0012265.

Allele frequency attached by ClinVar (database versions not stated): ExAC 0.00002; gnomAD 0.00007; TOPMed 0.00011.
gnomAD v4.1: 60 of 1,613,106 alleles (0.0037%); highest among the groups gnomAD compares: Admixed American, 0.035%; no homozygotes.

Submissions (2):

Labcorp Genetics (formerly Invitae), Labcorp
Classification: Uncertain significance for Primary ciliary dyskinesia. Last evaluated: 2025-11-10. Review status: criteria provided, single submitter. Criteria: Invitae Variant Classification Sherloc (09022015). Collection method: clinical testing. Allele origin: germline.
Comment: This sequence change replaces proline, which is neutral and non-polar, with leucine, which is neutral and non-polar, at codon 452 of the CCDC114 protein (p.Pro452Leu). This variant is present in population databases (rs768434176, gnomAD 0.03%). This variant has not been reported in the literature in individuals affected with CCDC114-related conditions. ClinVar contains an entry for this variant (Variation ID: 1800348). An algorithm developed to predict the effect of missense changes on protein structure and function outputs the following: PolyPhen-2: "Benign". The leucine amino acid residue is found in multiple mammalian species, which suggests that this missense change does not adversely affect protein function. In summary, the available evidence is currently insufficient to determine the role of this variant in disease. Therefore, it has been classified as a Variant of Uncertain Significance.

Ambry Genetics
Classification: Uncertain significance for Primary ciliary dyskinesia. Last evaluated: 2019-02-11. Review status: criteria provided, single submitter. Criteria: Ambry Variant Classification Scheme 2023. Collection method: clinical testing. Allele origin: germline.
Comment: The p.P452L variant (also known as c.1355C>T), located in coding exon 11 of the CCDC114 gene, results from a C to T substitution at nucleotide position 1355. The proline at codon 452 is replaced by leucine, an amino acid with similar properties. This amino acid position is not well conserved in available vertebrate species, and leucine is the reference amino acid in other vertebrate species. In addition, this alteration is predicted to be tolerated by in silico analysis. Since supporting evidence is limited at this time, the clinical significance of this alteration remains unclear.